The following is an entry in ClinVar:

ClinVar aggregate classification (germline): Uncertain significance. Review status: criteria provided, multiple submitters, no conflicts (2 of 4 stars). 2 submissions from 2 submitters: Uncertain significance (2). Last evaluated 2024-07-30.

Conditions:
Dilated cardiomyopathy 1AA (CMD1AA). Also called: CARDIOMYOPATHY, DILATED, 1AA, WITH OR WITHOUT LEFT VENTRICULAR NONCOMPACTION; CARDIOMYOPATHY, FAMILIAL HYPERTROPHIC, 23, WITH OR WITHOUT LEFT VENTRICULAR NONCOMPACTION; Cardiomyopathy, dilated, 1AA, with or without LVNC. Identifiers: Orphanet 154, MedGen C2677338, MONDO:0012808, OMIM 612158.
Primary familial hypertrophic cardiomyopathy (HCM). Identifiers: Orphanet 99739, MedGen C0949658, MeSH D024741, MONDO:0024573. Inheritance: Various modes of inheritance.

Allele frequency attached by ClinVar (database versions not stated): gnomAD exomes 0.00001.
gnomAD v4.1: 3 of 1,614,052 alleles (0.00019%); highest among the groups gnomAD compares: Non-Finnish European, 0.00025%; no homozygotes.

Submissions (2):

Labcorp Genetics (formerly Invitae), Labcorp
Classification: Uncertain significance for Primary familial hypertrophic cardiomyopathy; Dilated cardiomyopathy 1AA. Last evaluated: 2024-07-30. Review status: criteria provided, single submitter. Criteria: Invitae Variant Classification Sherloc (09022015). Collection method: clinical testing. Allele origin: germline.
Comment: This sequence change replaces phenylalanine, which is neutral and non-polar, with valine, which is neutral and non-polar, at codon 406 of the ACTN2 protein (p.Phe406Val). This variant is not present in population databases (gnomAD no frequency). This variant has not been reported in the literature in individuals affected with ACTN2-related conditions. ClinVar contains an entry for this variant (Variation ID: 636740). Advanced modeling of protein sequence and biophysical properties (such as structural, functional, and spatial information, amino acid conservation, physicochemical variation, residue mobility, and thermodynamic stability) performed at Invitae indicates that this missense variant is expected to disrupt ACTN2 protein function with a positive predictive value of 80%. In summary, the available evidence is currently insufficient to determine the role of this variant in disease. Therefore, it has been classified as a Variant of Uncertain Significance.

Blueprint Genetics
Classification: Uncertain significance. Last evaluated: 2024-05-09. Review status: criteria provided, single submitter. Criteria: ACMG Guidelines, 2015. Collection method: clinical testing. Allele origin: germline.

NM_001103.4(ACTN2):c.1216T>G (p.Phe406Val)

Gene: ACTN2 (actinin alpha 2; plus strand). Cytogenetic location: 1q43.
Variant type: single nucleotide variant.
Coding change: c.1216T>G on transcript NM_001103.4 (MANE Select); coding-DNA position 1216, T replaced by G.
Protein change: p.Phe406Val; replaces phenylalanine 406 with valine.
Molecular consequence: missense variant.
Genome position (GRCh38, 1-based): chr1:236,743,004, T>G. VCF-style: chr1-236743004-T-G. GRCh37 (hg19) VCF-style: chr1-236906304-T-G.
Other names: c.1216T>G, p.Phe406Val (NM_001278343.2); c.592T>G, p.Phe198Val (NM_001278344.2); short protein forms F406V, F198V.
Identifiers: ClinVar variation 636740 (VCV000636740.4), dbSNP rs1572135580, ClinGen allele CA345382401.